The following is an entry in ClinVar:

ClinVar aggregate classification (germline): Uncertain significance (1 of 4 stars; one submission).

Allele frequency attached by ClinVar (database versions not stated): TOPMed below 0.00001.
gnomAD v4.1: 2 of 1,344,498 alleles (0.00015%); highest among the groups gnomAD compares: Middle Eastern, 0.019%; no homozygotes.

Submission:

GeneDx
Classification: Uncertain significance. Last evaluated: 2022-01-25. Review status: criteria provided, single submitter. Criteria: GeneDx Variant Classification Process June 2021. Collection method: clinical testing. Allele origin: germline. Affected: yes.
Comment: Not observed at significant frequency in large population cohorts (gnomAD); In silico analysis supports that this variant does not alter splicing; Has not been previously published as pathogenic or benign to our knowledge

NM_001292063.2(OTOG):c.94+17C>T

Gene: OTOG (otogelin; plus strand). Cytogenetic location: 11p15.1.
Variant type: single nucleotide variant.
Coding change: c.94+17C>T on transcript NM_001292063.2 (MANE Select); 17 bases into the intron after coding-DNA position 94, C replaced by T.
Molecular consequence: intron variant. On other transcripts: synonymous variant (1).
Genome position (GRCh38, 1-based): chr11:17,547,483, C>T. VCF-style: chr11-17547483-C-T. GRCh37 (hg19) VCF-style: chr11-17569030-C-T.
Other names: c.111C>T, p.Asp37= (NM_001277269.2).
Identifiers: ClinVar variation 1338903 (VCV001338903.2), dbSNP rs1851833422, ClinGen allele CA473304920.